The following is an entry in ClinVar:

NM_003321.5(TUFM):c.940A>G (p.Lys314Glu)

Gene: TUFM (Tu translation elongation factor, mitochondrial; minus strand). Cytogenetic location: 16p11.2.
Variant type: single nucleotide variant.
Coding change: c.940A>G on transcript NM_003321.5 (MANE Select); coding-DNA position 940, A replaced by G.
Protein change: p.Lys314Glu; replaces lysine 314 with glutamic acid.
Molecular consequence: missense variant.
Genome position (GRCh38, 1-based): chr16:28,844,084, T>C on the plus strand (A>G on the coding strand, the complement: TUFM is on the minus strand). VCF-style: chr16-28844084-T-C. GRCh37 (hg19) VCF-style: chr16-28855405-T-C.
Other names: c.856A>G, p.Lys286Glu (NM_001365360.2); short protein forms K286E, K314E.
Identifiers: ClinVar variation 1386705 (VCV001386705.6), dbSNP rs2152146729, ClinGen allele CA395414828.

ClinVar aggregate classification (germline): Uncertain significance (1 of 4 stars; one submission).

gnomAD v4.1: 1 of 1,614,170 alleles (0.000062%); highest among the groups gnomAD compares: Non-Finnish European, 0.000085%; no homozygotes.

Submission:

Labcorp Genetics (formerly Invitae), Labcorp
Classification: Uncertain significance. Last evaluated: 2021-12-03. Review status: criteria provided, single submitter. Criteria: Invitae Variant Classification Sherloc (09022015). Collection method: clinical testing. Allele origin: germline.
Comment: In summary, the available evidence is currently insufficient to determine the role of this variant in disease. Therefore, it has been classified as a Variant of Uncertain Significance. Algorithms developed to predict the effect of missense changes on protein structure and function are either unavailable or do not agree on the potential impact of this missense change (SIFT: "Deleterious"; PolyPhen-2: "Possibly Damaging"; Align-GVGD: "Class C0"). This variant has not been reported in the literature in individuals affected with TUFM-related conditions. This variant is not present in population databases (gnomAD no frequency). This sequence change replaces lysine, which is basic and polar, with glutamic acid, which is acidic and polar, at codon 314 of the TUFM protein (p.Lys314Glu).